The following is an entry in ClinVar:

NM_000168.6(GLI3):c.2424A>G (p.Ile808Met)

Gene: GLI3 (GLI family zinc finger 3; minus strand). Cytogenetic location: 7p14.1.
Variant type: single nucleotide variant.
Coding change: c.2424A>G on transcript NM_000168.6 (MANE Select); coding-DNA position 2424, A replaced by G.
Protein change: p.Ile808Met; replaces isoleucine 808 with methionine.
Molecular consequence: missense variant.
Genome position (GRCh38, 1-based): chr7:41,967,603, T>C on the plus strand (A>G on the coding strand, the complement: GLI3 is on the minus strand). VCF-style: chr7-41967603-T-C. GRCh37 (hg19) VCF-style: chr7-42007201-T-C.
Other names: NM_000168.5(GLI3):c.2424A>G(p.Ile808Met); short protein forms I808M.
Identifiers: ClinVar variation 235210 (VCV000235210.52), dbSNP rs62622373, ClinGen allele CA4230617.

ClinVar aggregate classification (germline): Benign/Likely benign. Review status: criteria provided, multiple submitters, no conflicts (2 of 4 stars). 15 submissions from 13 submitters: Benign (7); Likely benign (6). 2 of the submissions do not count toward it. Last evaluated 2026-09-01.

Conditions:
Polydactyly, postaxial, type A1. Identifiers: MedGen C4282400, MONDO:0008266, OMIM 174200.
Greig cephalopolysyndactyly syndrome (GCPS). Also called: POLYSYNDACTYLY WITH PECULIAR SKULL SHAPE; Greig syndrome; GLI3-Related Greig Cephalopolysyndactyly Syndrome. Identifiers: Orphanet 380, MedGen C0265306, MONDO:0008287, OMIM 175700.
Polysyndactyly 4. Also called: Polysyndactyly uncomplicated; Preaxial polydactyly 4. Identifiers: Orphanet 93338, MedGen C1868111, MONDO:0008272, OMIM 174700.
Pallister-Hall syndrome (PHS). Also called: GLI3-Related Pallister-Hall Syndrome; HYPOTHALAMIC HAMARTOBLASTOMA, HYPOPITUITARISM, IMPERFORATE ANUS, AND POSTAXIAL POLYDACTYLY. Identifiers: Orphanet 672, MedGen C0265220, MONDO:0007804, OMIM 146510.
Polydactyly. Also called: polydactylism. Identifiers: MedGen C0152427, MONDO:0021003, OMIM 603596, HP:0010442.

Allele frequency attached by ClinVar (database versions not stated): 1000 Genomes Project 0.00060; 1000 Genomes Project 30x 0.00062; ExAC 0.00180; gnomAD 0.00187 and 0.00194; TOPMed 0.00193; gnomAD exomes 0.00204 and 0.00230; ESP Exome Variant Server 0.00223.
gnomAD v4.1: 3,681 of 1,611,074 alleles (0.23%); highest among the groups gnomAD compares: Middle Eastern, 0.35%; 12 homozygotes.

Submissions (15):

CeGaT Center for Human Genetics Tuebingen
Classification: Likely benign. Last evaluated: 2026-09-01. Review status: criteria provided, single submitter. Criteria: CeGaT Center For Human Genetics Tuebingen Variant Classification Criteria Version 2. Collection method: clinical testing. Allele origin: germline. Affected: yes. Observed: 10 variant alleles.
Comment: GLI3: BS1

Labcorp Genetics (formerly Invitae), Labcorp
Classification: Benign for Pallister-Hall syndrome; Greig cephalopolysyndactyly syndrome. Last evaluated: 2026-01-27. Review status: criteria provided, single submitter. Criteria: Invitae Variant Classification Sherloc (09022015). Collection method: clinical testing. Allele origin: germline.

Fulgent Genetics
Classification: Likely benign for Pallister-Hall syndrome; Polydactyly, postaxial, type A1; Polysyndactyly 4; Greig cephalopolysyndactyly syndrome. Last evaluated: 2022-04-06. Review status: criteria provided, single submitter. Criteria: ACMG Guidelines, 2015. Collection method: clinical testing. Allele origin: unknown.

GeneDx
Classification: Benign. Last evaluated: 2020-02-17. Review status: criteria provided, single submitter. Criteria: GeneDx Variant Classification Process June 2021. Collection method: clinical testing. Allele origin: germline. Affected: yes.
Comment: This variant is associated with the following publications: (PMID: 19829694, 10441342)

Mendelics
Classification: Likely benign for Greig cephalopolysyndactyly syndrome. Last evaluated: 2019-05-28. Review status: criteria provided, single submitter. Criteria: Mendelics Assertion Criteria 2017. Collection method: clinical testing. Allele origin: unknown.

Genetic Services Laboratory, University of Chicago
Classification: Benign. Last evaluated: 2018-06-20. Review status: criteria provided, single submitter. Criteria: ACMG Guidelines, 2015. Collection method: clinical testing. Allele origin: germline. Affected: no.

SIB Swiss Institute of Bioinformatics
Classification: Likely benign for Greig cephalopolysyndactyly syndrome. Last evaluated: 2018-05-31. Review status: criteria provided, single submitter. Criteria: ACMG Guidelines, 2015. Collection method: curation. Allele origin: unknown.
Comment: This variant is interpreted as a Likely Benign, for Greig cephalopolysyndactyly syndrome, in Autosomal Dominant manner. The following ACMG Tag(s) were applied: BS1 => Allele frequency is greater than expected for disorder. BS2-Supporting => BS2 downgraded in strength to supporting.

Illumina Laboratory Services, Illumina
Classification: Benign for Greig cephalopolysyndactyly syndrome. Last evaluated: 2018-03-06. Review status: criteria provided, single submitter. Criteria: ICSL Variant Classification Criteria 13 December 2019. Collection method: clinical testing. Allele origin: germline.
Comment: This variant was observed in the ICSL laboratory as part of a predisposition screen in an ostensibly healthy population. It had not been previously curated by ICSL or reported in the Human Gene Mutation Database (HGMD: prior to June 1st, 2018), and was therefore a candidate for classification through an automated scoring system. Utilizing variant allele frequency, disease prevalence and penetrance estimates, and inheritance mode, an automated score was calculated to assess if this variant is too frequent to cause the disease. Based on the score and internal cut-off values, a variant classified as benign is not then subjected to further curation. The score for this variant resulted in a classification of benign for this disease.

Illumina Laboratory Services, Illumina
Classification: Benign for Polydactyly. Last evaluated: 2018-03-06. Review status: criteria provided, single submitter. Criteria: ICSL Variant Classification Criteria 13 December 2019. Collection method: clinical testing. Allele origin: germline.
Comment: the same text as in the submission from Illumina Laboratory Services, Illumina above.

Illumina Laboratory Services, Illumina
Classification: Benign for Pallister-Hall syndrome. Last evaluated: 2018-03-06. Review status: criteria provided, single submitter. Criteria: ICSL Variant Classification Criteria 13 December 2019. Collection method: clinical testing. Allele origin: germline.
Comment: the same text as in the submission from Illumina Laboratory Services, Illumina above.

Eurofins Ntd Llc (ga)
Classification: Benign. Last evaluated: 2017-02-07. Review status: criteria provided, single submitter. Criteria: EGL Classification Definitions 2015. Collection method: clinical testing. Allele origin: germline. Observed: 3 variant alleles, 3 heterozygotes.

Center for Pediatric Genomic Medicine, Children's Mercy Hospital and Clinics
Classification: Likely benign. Last evaluated: 2015-05-19. Review status: criteria provided, single submitter. Criteria: ACMG Guidelines, 2015. Collection method: clinical testing. Allele origin: germline.
ClinVar note: Converted during submission from Likely Benign to Likely benign.

Breakthrough Genomics
Classification: Likely benign. Review status: criteria provided, single submitter. Criteria: ACMG Guidelines, 2015. Collection method: not provided. Allele origin: germline. Inheritance: Autosomal dominant inheritance. Affected: yes.

Genome Diagnostics Laboratory, University Medical Center Utrecht
Classification: Likely benign. Review status: no assertion criteria provided. Collection method: clinical testing. Allele origin: germline. Affected: yes. Study: VKGL Data-share Consensus. Not counted in ClinVar's aggregate classification.

Laboratory of Diagnostic Genome Analysis, Leiden University Medical Center (LUMC)
Classification: Likely benign. Review status: no assertion criteria provided. Collection method: clinical testing. Allele origin: germline. Affected: yes. Study: VKGL Data-share Consensus. Not counted in ClinVar's aggregate classification.